The following is an entry in ClinVar:

ClinVar aggregate classification (germline): Benign (1 of 4 stars; one submission).

Allele frequency attached by ClinVar (database versions not stated): gnomAD 0.31924 and 0.32890; TOPMed 0.33850; 1000 Genomes Project 30x 0.41396; 1000 Genomes Project 0.41653.
gnomAD v4.1: 50,048 of 152,082 alleles (33%); highest among the groups gnomAD compares: South Asian, 53%; 8,566 homozygotes.

Submission:

GeneDx
Classification: Benign. Last evaluated: 2018-06-14. Review status: criteria provided, single submitter. Criteria: GeneDx Variant Classification (06012015). Collection method: clinical testing. Allele origin: germline. Affected: yes.
Comment: This variant is considered likely benign or benign based on one or more of the following criteria: it is a conservative change, it occurs at a poorly conserved position in the protein, it is predicted to be benign by multiple in silico algorithms, and/or has population frequency not consistent with disease.

NM_015346.4(ZFYVE26):c.7371+206A>G

Gene: ZFYVE26 (zinc finger FYVE-type containing 26; minus strand). Cytogenetic location: 14q24.1.
Variant type: single nucleotide variant.
Coding change: c.7371+206A>G on transcript NM_015346.4 (MANE Select); 206 bases into the intron after coding-DNA position 7371, A replaced by G.
Molecular consequence: intron variant.
Genome position (GRCh38, 1-based): chr14:67,752,138, T>C on the plus strand (A>G on the coding strand, the complement: ZFYVE26 is on the minus strand). VCF-style: chr14-67752138-T-C. GRCh37 (hg19) VCF-style: chr14-68218855-T-C.
Identifiers: ClinVar variation 670362 (VCV000670362.1), dbSNP rs12435035, ClinGen allele CA15805749.